The following is an entry in ClinVar:

NM_001174147.2(LMX1B):c.508G>A (p.Glu170Lys)

Gene: LMX1B (LIM homeobox transcription factor 1 beta; plus strand). Cytogenetic location: 9q33.3.
Variant type: single nucleotide variant.
Coding change: c.508G>A on transcript NM_001174147.2 (MANE Select); coding-DNA position 508, G replaced by A.
Protein change: p.Glu170Lys; replaces glutamic acid 170 with lysine.
Molecular consequence: missense variant.
Genome position (GRCh38, 1-based): chr9:126,691,017, G>A. VCF-style: chr9-126691017-G-A. GRCh37 (hg19) VCF-style: chr9-129453296-G-A.
Other names: c.508G>A, p.Glu170Lys (NM_001174146.2, NM_002316.4); short protein forms E170K.
Identifiers: ClinVar variation 1316843 (VCV001316843.4), dbSNP rs199738980, ClinGen allele CA5242324.

ClinVar aggregate classification (germline): Conflicting classifications of pathogenicity. Review status: criteria provided, conflicting classifications (1 of 4 stars). 3 submissions from 3 submitters: Uncertain significance (2); Likely benign (1). Last evaluated 2026-05-11.

Conditions:
Inborn genetic diseases. Identifiers: MedGen C0950123, MeSH D030342.
Nail-patella syndrome (NPS). Also called: FONG DISEASE; ONYCHOOSTEODYSPLASIA; TURNER-KIESER SYNDROME. Identifiers: Orphanet 2614, MedGen C0027341, MONDO:0008061, OMIM 161200.
Nail-patella-like renal disease. Also called: GLOMERULAR BASEMENT MEMBRANE DISEASE, NAIL-PATELLA SYNDROME TYPE; Focal Segmental Glomerulosclerosis 10. Identifiers: Orphanet 2613, MedGen C0403548, MONDO:0009724, OMIM 256020.

Allele frequency attached by ClinVar (database versions not stated): gnomAD 0.00002; gnomAD exomes 0.00002; TOPMed 0.00002; ExAC 0.00003.
gnomAD v4.1: 34 of 1,613,808 alleles (0.0021%); highest among the groups gnomAD compares: Non-Finnish European, 0.0028%; no homozygotes.

Submissions (3):

Ambry Genetics
Classification: Likely benign for Inborn genetic diseases. Last evaluated: 2026-05-11. Review status: criteria provided, single submitter. Criteria: Ambry Variant Classification Scheme 2023. Collection method: clinical testing. Allele origin: germline.

Fulgent Genetics
Classification: Uncertain significance for Nail-patella syndrome; Nail-patella-like renal disease. Last evaluated: 2021-08-22. Review status: criteria provided, single submitter. Criteria: ACMG Guidelines, 2015. Collection method: clinical testing. Allele origin: unknown.

GeneDx
Classification: Uncertain significance. Last evaluated: 2019-12-18. Review status: criteria provided, single submitter. Criteria: GeneDx Variant Classification Process June 2021. Collection method: clinical testing. Allele origin: germline. Affected: yes.
Comment: In silico analysis, which includes protein predictors and evolutionary conservation, supports a deleterious effect; Has not been previously published as pathogenic or benign to our knowledge